The following is an entry in ClinVar:

NM_001003800.2(BICD2):c.1062G>T (p.Gln354His)

Gene: BICD2 (BICD cargo adaptor 2; minus strand). Cytogenetic location: 9q22.31.
Variant type: single nucleotide variant.
Coding change: c.1062G>T on transcript NM_001003800.2 (MANE Select); coding-DNA position 1062, G replaced by T.
Protein change: p.Gln354His; replaces glutamine 354 with histidine.
Molecular consequence: missense variant.
Genome position (GRCh38, 1-based): chr9:92,720,300, C>A on the plus strand (G>T on the coding strand, the complement: BICD2 is on the minus strand). VCF-style: chr9-92720300-C-A. GRCh37 (hg19) VCF-style: chr9-95482582-C-A.
Other names: c.1062G>T, p.Gln354His (NM_015250.4); short protein forms Q354H.
Identifiers: ClinVar variation 2094705 (VCV002094705.4), dbSNP rs1483349426, ClinGen allele CA374042244.

ClinVar aggregate classification (germline): Uncertain significance (1 of 4 stars; one submission).

Conditions:
Autosomal dominant childhood-onset proximal spinal muscular atrophy with contractures (SMALED2A). Also called: SPINAL MUSCULAR ATROPHY, LOWER EXTREMITY-PREDOMINANT, 2A, CHILDHOOD ONSET, AUTOSOMAL DOMINANT; Spinal muscular atrophy, lower extremity-predominant, 2A, autosomal dominant. Identifiers: Orphanet 363447, Orphanet 363454, MedGen C4747715, MONDO:0014121, OMIM 615290.

Allele frequency attached by ClinVar (database versions not stated): gnomAD exomes below 0.00001.
gnomAD v4.1: 1 of 1,606,560 alleles (0.000062%); highest among the groups gnomAD compares: Admixed American, 0.0017%; no homozygotes.

Submission:

Labcorp Genetics (formerly Invitae), Labcorp
Classification: Uncertain significance for Autosomal dominant childhood-onset proximal spinal muscular atrophy with contractures. Last evaluated: 2022-10-25. Review status: criteria provided, single submitter. Criteria: Invitae Variant Classification Sherloc (09022015). Collection method: clinical testing. Allele origin: germline.
Comment: This variant is not present in population databases (gnomAD no frequency). This sequence change replaces glutamine, which is neutral and polar, with histidine, which is basic and polar, at codon 354 of the BICD2 protein (p.Gln354His). This variant also falls at the last nucleotide of exon 4, which is part of the consensus splice site for this exon. This variant has not been reported in the literature in individuals affected with BICD2-related conditions. In summary, the available evidence is currently insufficient to determine the role of this variant in disease. Therefore, it has been classified as a Variant of Uncertain Significance. Variants that disrupt the consensus splice site are a relatively common cause of aberrant splicing (PMID: 17576681, 9536098). Algorithms developed to predict the effect of missense changes on protein structure and function are either unavailable or do not agree on the potential impact of this missense change (SIFT: "Deleterious"; PolyPhen-2: "Probably Damaging"; Align-GVGD: "Class C0").

Literature cited by the submitters: PubMed 17576681; PubMed 9536098.